The following is an entry in ClinVar:

ClinVar aggregate classification (germline): Uncertain significance. Review status: criteria provided, multiple submitters, no conflicts (2 of 4 stars). 2 submissions from 2 submitters: Uncertain significance (2). Last evaluated 2025-05-28.

Conditions:
Inborn genetic diseases. Identifiers: MedGen C0950123, MeSH D030342.

gnomAD v4.1: 5 of 1,614,126 alleles (0.00031%); highest among the groups gnomAD compares: African/African-American, 0.004%; no homozygotes.

Submissions (2):

Ambry Genetics
Classification: Uncertain significance for Inborn genetic diseases. Last evaluated: 2025-05-28. Review status: criteria provided, single submitter. Criteria: Ambry Variant Classification Scheme 2023. Collection method: clinical testing. Allele origin: germline.

Labcorp Genetics (formerly Invitae), Labcorp
Classification: Uncertain significance. Last evaluated: 2025-01-05. Review status: criteria provided, single submitter. Criteria: Invitae Variant Classification Sherloc (09022015). Collection method: clinical testing. Allele origin: germline.
Comment: This sequence change replaces leucine, which is neutral and non-polar, with phenylalanine, which is neutral and non-polar, at codon 308 of the FLAD1 protein (p.Leu308Phe). This variant is present in population databases (rs767007390, gnomAD 0.002%). This variant has not been reported in the literature in individuals affected with FLAD1-related conditions. An algorithm developed to predict the effect of missense changes on protein structure and function (PolyPhen-2) suggests that this variant¬†is likely to be tolerated. In summary, the available evidence is currently insufficient to determine the role of this variant in disease. Therefore, it has been classified as a Variant of Uncertain Significance.

NM_025207.5(FLAD1):c.922C>T (p.Leu308Phe)

Gene: FLAD1 (flavin adenine dinucleotide synthetase 1; plus strand). Cytogenetic location: 1q21.3.
Variant type: single nucleotide variant.
Coding change: c.922C>T on transcript NM_025207.5 (MANE Select); coding-DNA position 922, C replaced by T.
Protein change: p.Leu308Phe; replaces leucine 308 with phenylalanine.
Molecular consequence: missense variant.
Genome position (GRCh38, 1-based): chr1:154,988,654, C>T. VCF-style: chr1-154988654-C-T. GRCh37 (hg19) VCF-style: chr1-154961130-C-T.
Other names: c.631C>T, p.Leu211Phe (NM_001184891.2, NM_201398.3); c.625C>T, p.Leu209Phe (NM_001184892.2); c.922C>T (NM_025207.4); short protein forms L211F, L209F, L308F.
Identifiers: ClinVar variation 3715279 (VCV003715279.2).